The following is an entry in ClinVar:

NM_003803.4(MYOM1):c.1732C>T (p.Arg578Cys)

Gene: MYOM1 (myomesin 1; minus strand). Cytogenetic location: 18p11.31.
Variant type: single nucleotide variant.
Coding change: c.1732C>T on transcript NM_003803.4 (MANE Select); coding-DNA position 1732, C replaced by T.
Protein change: p.Arg578Cys; replaces arginine 578 with cysteine.
Molecular consequence: missense variant.
Genome position (GRCh38, 1-based): chr18:3,151,805, G>A on the plus strand (C>T on the coding strand, the complement: MYOM1 is on the minus strand). VCF-style: chr18-3151805-G-A. GRCh37 (hg19) VCF-style: chr18-3151803-G-A.
Other names: c.1732C>T, p.Arg578Cys (NM_019856.2); short protein forms R578C.
Identifiers: ClinVar variation 863292 (VCV000863292.13), dbSNP rs757545696, ClinGen allele CA8874871.

ClinVar aggregate classification (germline): Uncertain significance. Review status: criteria provided, multiple submitters, no conflicts (2 of 4 stars). 2 submissions from 2 submitters: Uncertain significance (2). Last evaluated 2025-11-13.

Conditions:
Hypertrophic cardiomyopathy. Also called: HYPERTROPHIC MYOCARDIOPATHY. Identifiers: Orphanet 217569, MedGen C0007194, MeSH D002312, MONDO:0005045, HP:0001639.

Allele frequency attached by ClinVar (database versions not stated): gnomAD exomes 0.00001; TOPMed 0.00003; gnomAD 0.00004 and 0.00006; ExAC 0.00001.
gnomAD v4.1: 15 of 1,613,738 alleles (0.00093%); highest among the groups gnomAD compares: African/African-American, 0.011%; no homozygotes.

Submissions (2):

Ambry Genetics
Classification: Uncertain significance. Last evaluated: 2025-11-13. Review status: criteria provided, single submitter. Criteria: Ambry Variant Classification Scheme 2023. Collection method: clinical testing. Allele origin: germline.

Labcorp Genetics (formerly Invitae), Labcorp
Classification: Uncertain significance for Hypertrophic cardiomyopathy. Last evaluated: 2025-05-15. Review status: criteria provided, single submitter. Criteria: Invitae Variant Classification Sherloc (09022015). Collection method: clinical testing. Allele origin: germline.
Comment: This sequence change replaces arginine, which is basic and polar, with cysteine, which is neutral and slightly polar, at codon 578 of the MYOM1 protein (p.Arg578Cys). This variant is present in population databases (rs757545696, gnomAD 0.01%). This variant has not been reported in the literature in individuals affected with MYOM1-related conditions. ClinVar contains an entry for this variant (Variation ID: 863292). Invitae Evidence Modeling of protein sequence and biophysical properties (such as structural, functional, and spatial information, amino acid conservation, physicochemical variation, residue mobility, and thermodynamic stability) has been performed for this missense variant. However, the output from this modeling did not meet the statistical confidence thresholds required to predict the impact of this variant on MYOM1 protein function. In summary, the available evidence is currently insufficient to determine the role of this variant in disease. Therefore, it has been classified as a Variant of Uncertain Significance.